The following is an entry in ClinVar:

NM_018124.4(RFWD3):c.311A>G (p.Gln104Arg)

Gene: RFWD3 (ring finger and WD repeat domain 3; minus strand). Cytogenetic location: 16q23.1.
Variant type: single nucleotide variant.
Coding change: c.311A>G on transcript NM_018124.4 (MANE Select); coding-DNA position 311, A replaced by G.
Protein change: p.Gln104Arg; replaces glutamine 104 with arginine.
Molecular consequence: missense variant. On other transcripts: 5 prime UTR variant (4), intron variant (1).
Genome position (GRCh38, 1-based): chr16:74,661,139, T>C on the plus strand (A>G on the coding strand, the complement: RFWD3 is on the minus strand). VCF-style: chr16-74661139-T-C. GRCh37 (hg19) VCF-style: chr16-74695037-T-C.
Other names: c.311A>G, p.Gln104Arg (NM_001370534.1, NM_001370535.1, NM_001370536.1); c.-698A>G (NM_001370537.1); c.-321A>G (NM_001370539.1); c.-575A>G (NM_001370542.1); c.-453A>G (NM_001370543.1); c.-317+3485A>G (NM_001370540.1); short protein forms Q104R.
Identifiers: ClinVar variation 3677967 (VCV003677967.2).

ClinVar aggregate classification (germline): Uncertain significance (1 of 4 stars; one submission).

gnomAD v4.1: 2 of 1,614,236 alleles (0.00012%); no homozygotes.

Submission:

Labcorp Genetics (formerly Invitae), Labcorp
Classification: Uncertain significance. Last evaluated: 2024-06-25. Review status: criteria provided, single submitter. Criteria: Invitae Variant Classification Sherloc (09022015). Collection method: clinical testing. Allele origin: germline.
Comment: This sequence change replaces glutamine, which is neutral and polar, with arginine, which is basic and polar, at codon 104 of the RFWD3 protein (p.Gln104Arg). This variant is not present in population databases (gnomAD no frequency). This variant has not been reported in the literature in individuals affected with RFWD3-related conditions. Algorithms developed to predict the effect of missense changes on protein structure and function output the following: SIFT: "Not Available"; PolyPhen-2: "Benign"; Align-GVGD: "Not Available". The arginine amino acid residue is found in multiple mammalian species, which suggests that this missense change does not adversely affect protein function. In summary, the available evidence is currently insufficient to determine the role of this variant in disease. Therefore, it has been classified as a Variant of Uncertain Significance.